The following is an entry in ClinVar:

NM_001387430.1(SH2B1):c.1926G>A (p.Gln642=)

Gene: SH2B1 (SH2B adaptor protein 1; plus strand). Cytogenetic location: 16p11.2.
Variant type: single nucleotide variant.
Coding change: c.1926G>A on transcript NM_001387430.1 (MANE Select); coding-DNA position 1926, G replaced by A.
Protein change: p.Gln642=; no amino-acid change (glutamine 642 retained).
Molecular consequence: synonymous variant. On other transcripts: 3 prime UTR variant (5).
Genome position (GRCh38, 1-based): chr16:28,873,475, G>A. VCF-style: chr16-28873475-G-A. GRCh37 (hg19) VCF-style: chr16-28884796-G-A.
Other names: c.1926G>A, p.Gln642= (NM_001145795.2, NM_001308293.2, NM_001387404.1); c.*10G>A (NM_001145796.2, NM_001145812.2, NM_001308294.2 and 1 more transcripts); c.*27G>A (NM_001145797.2).
Identifiers: ClinVar variation 728133 (VCV000728133.4), dbSNP rs1430805205, ClinGen allele CA494873490.

ClinVar aggregate classification (germline): Likely benign. Review status: criteria provided, multiple submitters, no conflicts (2 of 4 stars). 2 submissions from 2 submitters: Likely benign (2). Last evaluated 2025-07-31.

Conditions:
SH2B1-related disorder. Also called: SH2B1-related condition.

Allele frequency attached by ClinVar (database versions not stated): gnomAD exomes 0.00001.
gnomAD v4.1: 17 of 1,513,678 alleles (0.0011%); highest among the groups gnomAD compares: Non-Finnish European, 0.0013%; no homozygotes.

Submissions (2):

PreventionGenetics, part of Exact Sciences
Classification: Likely benign for SH2B1-related condition. Last evaluated: 2025-07-31. Review status: criteria provided, single submitter. Criteria: ACMG Guidelines, 2015. Collection method: clinical testing. Allele origin: germline.
Comment: This variant is classified as likely benign based on ACMG/AMP sequence variant interpretation guidelines (Richards et al. 2015 PMID: 25741868, with internal and published modifications).

Labcorp Genetics (formerly Invitae), Labcorp
Classification: Likely benign. Last evaluated: 2018-02-07. Review status: criteria provided, single submitter. Criteria: Invitae Variant Classification Sherloc (09022015). Collection method: clinical testing. Allele origin: germline.